The following is an entry in ClinVar:

NM_015404.4(WHRN):c.366C>A (p.Tyr122Ter)

Gene: WHRN (whirlin; minus strand). Cytogenetic location: 9q32.
Variant type: single nucleotide variant.
Coding change: c.366C>A on transcript NM_015404.4 (MANE Select); coding-DNA position 366, C replaced by A.
Protein change: p.Tyr122Ter; replaces tyrosine 122 with a stop codon.
Molecular consequence: nonsense.
Genome position (GRCh38, 1-based): chr9:114,504,436, G>T on the plus strand (C>A on the coding strand, the complement: WHRN is on the minus strand). VCF-style: chr9-114504436-G-T. GRCh37 (hg19) VCF-style: chr9-117266716-G-T.
Other names: c.366C>A, p.Tyr122Ter (NM_001173425.2); short protein forms Y122*.
Identifiers: ClinVar variation 2122115 (VCV002122115.4), dbSNP rs2493914688, ClinGen allele CA374612580.

ClinVar aggregate classification (germline): Pathogenic (1 of 4 stars; one submission).

Allele frequency attached by ClinVar (database versions not stated): gnomAD exomes below 0.00001.
gnomAD v4.1: 1 of 1,607,094 alleles (0.000062%); no homozygotes.

Submission:

Labcorp Genetics (formerly Invitae), Labcorp
Classification: Pathogenic. Last evaluated: 2024-10-25. Review status: criteria provided, single submitter. Criteria: Invitae Variant Classification Sherloc (09022015). Collection method: clinical testing. Allele origin: germline.
Comment: This sequence change creates a premature translational stop signal (p.Tyr122*) in the WHRN gene. It is expected to result in an absent or disrupted protein product. Loss-of-function variants in WHRN are known to be pathogenic (PMID: 12833159, 15841483, 22147658). This variant is not present in population databases (gnomAD no frequency). This variant has not been reported in the literature in individuals affected with WHRN-related conditions. ClinVar contains an entry for this variant (Variation ID: 2122115). For these reasons, this variant has been classified as Pathogenic.

Literature cited by the submitters: PubMed 12833159; PubMed 15841483; PubMed 22147658.